The following is an entry in ClinVar:

NM_000535.7(PMS2):c.67G>C (p.Val23Leu)

Gene: PMS2 (PMS1 homolog 2, mismatch repair system component; minus strand). Cytogenetic location: 7p22.1.
Variant type: single nucleotide variant.
Coding change: c.67G>C on transcript NM_000535.7 (MANE Select); coding-DNA position 67, G replaced by C.
Protein change: p.Val23Leu; replaces valine 23 with leucine.
Molecular consequence: missense variant. On other transcripts: 5 prime UTR variant (8), non-coding transcript variant (1), intron variant (3).
Genome position (GRCh38, 1-based): chr7:6,005,988, C>G on the plus strand (G>C on the coding strand, the complement: PMS2 is on the minus strand). VCF-style: chr7-6005988-C-G. GRCh37 (hg19) VCF-style: chr7-6045619-C-G.
Other names: c.-339G>C (NM_001322003.2, NM_001322005.2, NM_001322009.2 and 1 more transcripts); c.67G>C, p.Val23Leu (NM_001322006.2, NM_001322014.2); c.-149G>C (NM_001322007.2); c.-818G>C (NM_001322011.2, NM_001322012.2); c.-418G>C (NM_001322015.2); c.-52-1930G>C (NM_001322008.2); c.-242-1930G>C (NM_001322010.2, NM_001322004.2); short protein forms V23L.
Identifiers: ClinVar variation 919105 (VCV000919105.7), dbSNP rs374830220, ClinGen allele CA050868.
Genomic context (GRCh38, chr7:6,005,988, plus strand): 5'-CTAACTCCTTTACCGCAGTGCTTAGACTCAGTACCACCTGCCCAGAGCAAATCTGATGGA[C>G]TGACTTCCGATCAATAGGTTTGATGGCCTTAGCAGGTTCTGTACTAGAGAAATCAGTTAC-3'
Protein context (NP_000526.2, residues 13-33): KAIKPIDRKS[Val23Leu]HQICSGQVVL

ClinVar aggregate classification (germline): Uncertain significance. Review status: criteria provided, multiple submitters, no conflicts (2 of 4 stars). 2 submissions from 2 submitters: Uncertain significance (2). Last evaluated 2024-09-22.

Conditions:
Hereditary nonpolyposis colorectal neoplasms. Identifiers: MedGen C0009405, MeSH D003123.
Hereditary cancer-predisposing syndrome. Also called: Neoplastic Syndromes, Hereditary; Tumor predisposition; Hereditary Cancer Syndrome; Hereditary neoplastic syndrome. Identifiers: Orphanet 140162, MedGen C0027672, MeSH D009386, MONDO:0015356.

Allele frequency attached by ClinVar (database versions not stated): TOPMed below 0.00001; ExAC 0.00001; gnomAD 0.00001; ESP Exome Variant Server 0.00014.
gnomAD v4.1: 1 of 1,610,678 alleles (0.000062%); highest among the groups gnomAD compares: Non-Finnish European, 0.000085%; no homozygotes.

Submissions (2):

Labcorp Genetics (formerly Invitae), Labcorp
Classification: Uncertain significance for Hereditary nonpolyposis colorectal neoplasms. Last evaluated: 2024-09-22. Review status: criteria provided, single submitter. Criteria: Invitae Variant Classification Sherloc (09022015). Collection method: clinical testing. Allele origin: germline.
Comment: This sequence change replaces valine, which is neutral and non-polar, with leucine, which is neutral and non-polar, at codon 23 of the PMS2 protein (p.Val23Leu). This variant is present in population databases (rs374830220, gnomAD 0.0009%). This variant has not been reported in the literature in individuals affected with PMS2-related conditions. ClinVar contains an entry for this variant (Variation ID: 919105). Invitae Evidence Modeling of protein sequence and biophysical properties (such as structural, functional, and spatial information, amino acid conservation, physicochemical variation, residue mobility, and thermodynamic stability) indicates that this missense variant is expected to disrupt PMS2 protein function with a positive predictive value of 80%. In summary, the available evidence is currently insufficient to determine the role of this variant in disease. Therefore, it has been classified as a Variant of Uncertain Significance.

Color Diagnostics, LLC DBA Color Health
Classification: Uncertain significance for Hereditary cancer-predisposing syndrome. Last evaluated: 2018-12-18. Review status: criteria provided, single submitter. Criteria: ACMG Guidelines, 2015. Collection method: clinical testing. Allele origin: germline.